The following is an entry in ClinVar:

ClinVar aggregate classification (germline): Uncertain significance (1 of 4 stars; one submission).

Submission:

CeGaT Center for Human Genetics Tuebingen
Classification: Uncertain significance. Last evaluated: 2023-05-01. Review status: criteria provided, single submitter. Criteria: CeGaT Center For Human Genetics Tuebingen Variant Classification Criteria Version 2. Collection method: clinical testing. Allele origin: germline. Affected: yes. Observed: 2 variant alleles.
Comment: MED13L: PM2, PP2

NM_015335.5(MED13L):c.5972C>T (p.Ala1991Val)

Gene: MED13L (mediator complex subunit 13L; minus strand). Cytogenetic location: 12q24.21.
Variant type: single nucleotide variant.
Coding change: c.5972C>T on transcript NM_015335.5 (MANE Select); coding-DNA position 5972, C replaced by T.
Protein change: p.Ala1991Val; replaces alanine 1991 with valine.
Molecular consequence: missense variant.
Genome position (GRCh38, 1-based): chr12:115,970,689, G>A on the plus strand (C>T on the coding strand, the complement: MED13L is on the minus strand). VCF-style: chr12-115970689-G-A. GRCh37 (hg19) VCF-style: chr12-116408494-G-A.
Other names: short protein forms A1991V.
Identifiers: ClinVar variation 2570849 (VCV002570849.27), dbSNP rs2499969730, ClinGen allele CA386876339.